The following is an entry in ClinVar:

NM_176822.4(NLRP14):c.1296C>A (p.Ala432=)

Gene: NLRP14 (NLR family pyrin domain containing 14; plus strand). Cytogenetic location: 11p15.4.
Variant type: single nucleotide variant.
Coding change: c.1296C>A on transcript NM_176822.4 (MANE Select); coding-DNA position 1296, C replaced by A.
Protein change: p.Ala432=; no amino-acid change (alanine 432 retained).
Molecular consequence: synonymous variant.
Genome position (GRCh38, 1-based): chr11:7,043,322, C>A. VCF-style: chr11-7043322-C-A. GRCh37 (hg19) VCF-style: chr11-7064553-C-A.
Identifiers: ClinVar variation 3055292 (VCV003055292.2), dbSNP rs16921740, ClinGen allele CA5864759.

ClinVar aggregate classification (germline): Benign (0 of 4 stars; one submission).

Conditions:
NLRP14-related disorder. Also called: NLRP14-related condition.

Allele frequency attached by ClinVar (database versions not stated): gnomAD exomes 0.00093; ExAC 0.00284; gnomAD 0.00837; ESP Exome Variant Server 0.00908; TOPMed 0.00960; 1000 Genomes Project 30x 0.00968; 1000 Genomes Project 0.01018.
gnomAD v4.1: 2,746 of 1,614,148 alleles (0.17%); highest among the groups gnomAD compares: African/African-American, 2.8%; 31 homozygotes.

Submission:

PreventionGenetics, part of Exact Sciences
Classification: Benign for NLRP14-related condition. Last evaluated: 2019-03-12. Review status: no assertion criteria provided. Collection method: clinical testing. Allele origin: germline.
Comment: This variant is classified as benign based on ACMG/AMP sequence variant interpretation guidelines (Richards et al. 2015 PMID: 25741868, with internal and published modifications).